The following is an entry in ClinVar:

NM_001953.5(TYMP):c.1301-1G>C

Genes: SCO2 (synthesis of cytochrome C oxidase 2; minus strand), TYMP (thymidine phosphorylase; minus strand), LOC130067862 (ATAC-STARR-seq lymphoblastoid silent region 13986; plus strand). Cytogenetic location: 22q13.33.
Variant type: single nucleotide variant.
Coding change: c.1301-1G>C on transcript NM_001953.5 (MANE Select); the canonical splice acceptor site of the intron before coding-DNA position 1301, G replaced by C.
Molecular consequence: splice acceptor variant. On other transcripts: intron variant (2).
Genome position (GRCh38, 1-based): chr22:50,525,919, C>G on the plus strand (G>C on the coding strand, the complement: TYMP is on the minus strand). VCF-style: chr22-50525919-C-G. GRCh37 (hg19) VCF-style: chr22-50964348-C-G.
Other names: c.-14+327G>C (NM_001169109.2); c.-14+82G>C (NM_001169110.1); c.1316-1G>C (NM_001257989.1); c.1301-1G>C (NM_001257988.1, NM_001113755.3, NM_001113756.3).
Identifiers: ClinVar variation 4814983 (VCV004814983.1).
Genomic context (GRCh38, chr22:50,525,919, plus strand): 5'-CGCGGCTCTGCGGGCCGCTGAGCGCGGGGCCGTCCCGGTGCACGCGGAGCCAGGGGGTCC[C>G]TGCAGAGCGAGGGGCTGTTAGAGGCCGCGCGGCCGGAGCTGGGCGGGGGTGCGGGGCCAG-3'

ClinVar aggregate classification (germline): Likely pathogenic (1 of 4 stars; one submission).

Conditions:
Mitochondrial neurogastrointestinal encephalomyopathy. Also called: Mitochondrial neurogastrointestinal encephalopathy syndrome; MNGIE syndrome; Thymidine phosphorylase deficiency. Identifiers: Orphanet 298, MedGen C0872218, MONDO:0017575.

gnomAD v4.1: 1 of 1,514,630 alleles (0.000066%); highest among the groups gnomAD compares: Non-Finnish European, 0.000088%; no homozygotes.

Submission:

Natera, Inc.
Classification: Likely pathogenic for Mitochondrial neurogastrointestinal encephalomyopathy. Last evaluated: 2025-03-12. Review status: criteria provided, single submitter. Criteria: Natera Variant Classification Schema (03/2026). Collection method: clinical testing. Allele origin: germline.
Comment: The c.1301-1G>C variant in TYMP is a canonical splice acceptor site variant predicted to affect pre-mRNA splicing, which may result in an abnormal transcript and altered protein product. This variant may result in a truncated or dysfunctional protein product. This variant is rare in the general population with a frequency below the threshold expected for the associated phenotype(s). This variant has been observed in one or more individuals affected with the associated recessive disease, as either homozygous or compound heterozygous with a second variant (PMID: 21933806, 17612528). Given the available evidence, this variant is classified as Likely Pathogenic.

Literature cited by the submitters: PubMed 21933806; PubMed 17612528.